The following is an entry in ClinVar:

ClinVar aggregate classification (germline): Conflicting classifications of pathogenicity. Review status: criteria provided, conflicting classifications (1 of 4 stars). 6 submissions from 6 submitters: Pathogenic (1); Likely pathogenic (1); Uncertain significance (3). 1 of the submissions does not count toward it. Last evaluated 2026-06-23.

Conditions:
Neuronal ceroid lipofuscinosis. Also called: Neuronal Ceroid Lipofuscinoses. Identifiers: Orphanet 216, Orphanet 79263, MedGen C0027877, MONDO:0016295. Disease mechanism: loss of function.
Ceroid lipofuscinosis, neuronal, 6A. Also called: CLN6-Related Neuronal Ceroid-Lipofuscinosis; Neuronal ceroid lipofuscinosis, late infantile, variant; Neuronal ceroid lipofuscinosis, Gypsy/Indian early juvenile variant; Neuronal ceroid lipofuscinosis 6. Identifiers: Orphanet 168491, Orphanet 228363, MedGen C5551375, MONDO:0011144, OMIM 601780.
Ceroid lipofuscinosis, neuronal, 6B (Kufs type). Also called: Neuronal ceroid lipofuscinosis 4A. Identifiers: Orphanet 700477, MedGen C5561927, MONDO:0008768, OMIM 204300.

Allele frequency attached by ClinVar (database versions not stated): ExAC 0.00001; gnomAD 0.00001; gnomAD exomes 0.00001 and 0.00002; TOPMed 0.00002.
gnomAD v4.1: 31 of 1,432,898 alleles (0.0022%); highest among the groups gnomAD compares: Non-Finnish European, 0.0027%; no homozygotes.

Submissions (6):

Myriad Genetics, Inc.
Classification: Uncertain significance for Neuronal ceroid lipofuscinosis. Last evaluated: 2026-06-23. Review status: criteria provided, single submitter. Criteria: Myriad Autosomal Dominant, Autosomal Recessive and X-Linked Classification Criteria (2023). Collection method: clinical testing. Allele origin: unknown.
Comment: NM_017882.2(CLN6):c.898T>C(W300R) is a missense variant classified as a variant of uncertain significance in the context of neuronal ceroid lipofuscinosis, CLN6-related. W300R has been observed in cases with relevant disease (PMID: 12673792, Funke_2017_(Abstract)). Relevant functional assessments of this variant are not available in the literature. W300R has been observed in referenced population frequency databases. In summary, there is insufficient evidence to classify NM_017882.2(CLN6):c.898T>C(W300R) as pathogenic or benign. Please note: this variant was assessed in the context of healthy population screening.

Labcorp Genetics (formerly Invitae), Labcorp
Classification: Uncertain significance for Neuronal ceroid lipofuscinosis. Last evaluated: 2025-12-03. Review status: criteria provided, single submitter. Criteria: Invitae Variant Classification Sherloc (09022015). Collection method: clinical testing. Allele origin: germline.
Comment: This sequence change replaces tryptophan, which is neutral and slightly polar, with arginine, which is basic and polar, at codon 300 of the CLN6 protein (p.Trp300Arg). This variant is present in population databases (rs750937323, gnomAD 0.002%). This missense change has been observed in individual(s) with ceroid lipofuscinosis (PMID: 12673792). ClinVar contains an entry for this variant (Variation ID: 374774). Invitae Evidence Modeling of protein sequence and biophysical properties (such as structural, functional, and spatial information, amino acid conservation, physicochemical variation, residue mobility, and thermodynamic stability) indicates that this missense variant is not expected to disrupt CLN6 protein function with a negative predictive value of 80%. In summary, the available evidence is currently insufficient to determine the role of this variant in disease. Therefore, it has been classified as a Variant of Uncertain Significance.

Women's Health and Genetics/Laboratory Corporation of America, LabCorp
Classification: Uncertain significance. Last evaluated: 2024-12-31. Review status: criteria provided, single submitter. Criteria: LabCorp Variant Classification Summary - May 2015. Collection method: clinical testing. Allele origin: germline.
Comment: Variant summary: CLN6 c.898T>C (p.Trp300Arg) results in a non-conservative amino acid change in the encoded protein sequence. Three of five in-silico tools predict a damaging effect of the variant on protein function. The variant allele was found at a frequency of 8e-06 in 251278 control chromosomes. The available data on variant occurrences in the general population are insufficient to allow any conclusion about variant significance. c.898T>C has been reported in the compound heterozygous state in the literature in at least 1 individual affected with Ceroid lipofuscinosis, neuronal, 6A (example, Teixeira_2003). These data do not allow any conclusion about variant significance. To our knowledge, no experimental evidence demonstrating an impact on protein function has been reported. The following publication has been ascertained in the context of this evaluation (PMID: 12673792). ClinVar contains an entry for this variant (Variation ID: 374774). Based on the evidence outlined above, the variant was classified as uncertain significance.

Mendelics
Classification: Pathogenic for Ceroid lipofuscinosis, neuronal, 6B (Kufs type). Last evaluated: 2022-05-04. Review status: criteria provided, single submitter. Criteria: Mendelics Assertion Criteria 2019. Collection method: clinical testing. Allele origin: germline.

CeGaT Center for Human Genetics Tuebingen
Classification: Likely pathogenic. Last evaluated: 2016-09-30. Review status: criteria provided, single submitter. Criteria: Praxis fuer Humangenetik Tuebingen - Variant Classification Criteria. Collection method: clinical testing. Allele origin: germline. Affected: yes. Observed: 2 variant alleles.

Counsyl
Classification: Uncertain significance for Ceroid lipofuscinosis, neuronal, 6A. Last evaluated: 2017-05-23. Review status: no assertion criteria provided. Collection method: clinical testing. Allele origin: unknown. Not counted in ClinVar's aggregate classification.

Literature cited by the submitters: PubMed 12673792 (cited by 3 submitters).

NM_017882.3(CLN6):c.898T>C (p.Trp300Arg)

Gene: CLN6 (CLN6 transmembrane ER protein; minus strand). Cytogenetic location: 15q23.
Variant type: single nucleotide variant.
Coding change: c.898T>C on transcript NM_017882.3 (MANE Select); coding-DNA position 898, T replaced by C.
Protein change: p.Trp300Arg; replaces tryptophan 300 with arginine.
Molecular consequence: missense variant.
Genome position (GRCh38, 1-based): chr15:68,208,178, A>G on the plus strand (T>C on the coding strand, the complement: CLN6 is on the minus strand). VCF-style: chr15-68208178-A-G. GRCh37 (hg19) VCF-style: chr15-68500516-A-G.
Other names: short protein forms W300R.
Identifiers: ClinVar variation 374774 (VCV000374774.12), dbSNP rs750937323, ClinGen allele CA7630447.